The following is an entry in ClinVar:

NM_001830.4(CLCN4):c.2003T>C (p.Ile668Thr)

Gene: CLCN4 (Cl-/H+ antiporter 4; plus strand). Cytogenetic location: Xp22.2.
Variant type: single nucleotide variant.
Coding change: c.2003T>C on transcript NM_001830.4 (MANE Select); coding-DNA position 2003, T replaced by C.
Protein change: p.Ile668Thr; replaces isoleucine 668 with threonine.
Molecular consequence: missense variant.
Genome position (GRCh38, 1-based): chrX:10,220,688, T>C. VCF-style: chrX-10220688-T-C. GRCh37 (hg19) VCF-style: chrX-10188728-T-C.
Other names: c.1721T>C, p.Ile574Thr (NM_001256944.2); short protein forms I574T, I668T.
Identifiers: ClinVar variation 851391 (VCV000851391.14), dbSNP rs1924836688, ClinGen allele CA412044204.

ClinVar aggregate classification (germline): Uncertain significance. Review status: criteria provided, multiple submitters, no conflicts (2 of 4 stars). 2 submissions from 2 submitters: Uncertain significance (2). Last evaluated 2021-12-16.

Conditions:
Intellectual disability, X-linked 49 (MRXSRC). Also called: MRX49; CLCN4-Related Neurodevelopmental Disorder; CLCN4-related X-linked intellectual disability syndrome; MENTAL RETARDATION, X-LINKED 15; RAYNAUD-CLAES SYNDROME. Identifiers: Orphanet 485350, Orphanet 777, MedGen C0796221, MONDO:0010250, OMIM 300114.

Allele frequency attached by ClinVar (database versions not stated): gnomAD exomes below 0.00001; TOPMed below 0.00001; gnomAD 0.00001.
gnomAD v4.1: 4 of 1,209,180 alleles (0.00033%); highest among the groups gnomAD compares: Non-Finnish European, 0.00022%; no homozygotes.

Submissions (2):

Fulgent Genetics
Classification: Uncertain significance for Intellectual disability, X-linked 49. Last evaluated: 2021-12-16. Review status: criteria provided, single submitter. Criteria: ACMG Guidelines, 2015. Collection method: clinical testing. Allele origin: unknown.

Labcorp Genetics (formerly Invitae), Labcorp
Classification: Uncertain significance. Last evaluated: 2019-12-27. Review status: criteria provided, single submitter. Criteria: Invitae Variant Classification Sherloc (09022015). Collection method: clinical testing. Allele origin: germline.
Comment: This sequence change replaces isoleucine with threonine at codon 668 of the CLCN4 protein (p.Ile668Thr). The isoleucine residue is weakly conserved and there is a moderate physicochemical difference between isoleucine and threonine. This variant is not present in population databases (ExAC no frequency). This variant has not been reported in the literature in individuals with CLCN4-related conditions. Algorithms developed to predict the effect of missense changes on protein structure and function (SIFT, PolyPhen-2, Align-GVGD) all suggest that this variant is likely to be tolerated, but these predictions have not been confirmed by published functional studies and their clinical significance is uncertain. In summary, the available evidence is currently insufficient to determine the role of this variant in disease. Therefore, it has been classified as a Variant of Uncertain Significance.